The following is an entry in ClinVar:

NM_001348323.3(TRIP12):c.5308A>G (p.Met1770Val)

Gene: TRIP12 (thyroid hormone receptor interactor 12; minus strand). Cytogenetic location: 2q36.3.
Variant type: single nucleotide variant.
Coding change: c.5308A>G on transcript NM_001348323.3 (MANE Select); coding-DNA position 5308, A replaced by G.
Protein change: p.Met1770Val; replaces methionine 1770 with valine.
Molecular consequence: missense variant.
Genome position (GRCh38, 1-based): chr2:229,778,489, T>C on the plus strand (A>G on the coding strand, the complement: TRIP12 is on the minus strand). VCF-style: chr2-229778489-T-C. GRCh37 (hg19) VCF-style: chr2-230643205-T-C.
Other names: c.5182A>G, p.Met1728Val (NM_001284215.2, NM_001348316.2); c.4273A>G, p.Met1425Val (NM_001284216.2); c.5227A>G, p.Met1743Val (NM_001348315.2, NM_001284214.2); c.5167A>G, p.Met1723Val (NM_001348317.1, NM_001348318.2); c.5293A>G, p.Met1765Val (NM_001348319.1, NM_001348320.2); c.5296A>G, p.Met1766Val (NM_001348321.1); c.5308A>G, p.Met1770Val (NM_001348322.1, NM_001348324.2, NM_001348325.2 and 2 more transcripts); c.5311A>G, p.Met1771Val (NM_001348328.1, NM_001348329.2, NM_001348330.2); and 4 more; short protein forms M1728V, M1765V, M1766V, M1770V, M1695V, M1723V, M1736V, M1744V.
Identifiers: ClinVar variation 1028707 (VCV001028707.2), dbSNP rs1428800056, ClinGen allele CA350887340.

ClinVar aggregate classification (germline): Uncertain significance. Review status: criteria provided, multiple submitters, no conflicts (2 of 4 stars). 2 submissions from 2 submitters: Uncertain significance (2). Last evaluated 2025-09-10.

Conditions:
Clark-Baraitser syndrome. Also called: Intellectual disability, autosomal dominant 49; BARAITSER SYNDROME; Mental retardation, tall stature, obesity, macrocephaly and typical facial features; MENTAL RETARDATION, AUTOSOMAL DOMINANT 49. Identifiers: Orphanet 600731, MedGen C2931130, MONDO:0030914, OMIM 617752.

Allele frequency attached by ClinVar (database versions not stated): gnomAD exomes below 0.00001; TOPMed below 0.00001.

Submissions (2):

Genomic Medicine Center of Excellence, King Faisal Specialist Hospital and Research Centre
Classification: Uncertain significance for Clark-Baraitser syndrome. Last evaluated: 2025-09-10. Review status: criteria provided, single submitter. Criteria: ACMG Guidelines, 2015. Collection method: clinical testing. Allele origin: germline.

Baylor Genetics
Classification: Uncertain significance for Clark-Baraitser syndrome. Last evaluated: 2020-07-09. Review status: criteria provided, single submitter. Criteria: ACMG Guidelines, 2015. Collection method: clinical testing. Allele origin: unknown. Affected: yes.
Comment: This variant was determined to be of uncertain significance according to ACMG Guidelines, 2015 [PMID:25741868].